The following is an entry in ClinVar:

NM_000379.4(XDH):c.2413C>T (p.Arg805Trp)

Gene: XDH (xanthine dehydrogenase; minus strand). Cytogenetic location: 2p23.1.
Variant type: single nucleotide variant.
Coding change: c.2413C>T on transcript NM_000379.4 (MANE Select); coding-DNA position 2413, C replaced by T.
Protein change: p.Arg805Trp; replaces arginine 805 with tryptophan.
Molecular consequence: missense variant.
Genome position (GRCh38, 1-based): chr2:31,366,019, G>A on the plus strand (C>T on the coding strand, the complement: XDH is on the minus strand). VCF-style: chr2-31366019-G-A. GRCh37 (hg19) VCF-style: chr2-31588885-G-A.
Other names: short protein forms R805W.
Identifiers: ClinVar variation 895588 (VCV000895588.14), dbSNP rs140007233, ClinGen allele CA1598841.
Genomic context (GRCh38, chr2:31,366,019, plus strand): 5'-CAGGCTTTGGAACTCACTTATATGCAGCCAGGGCCACTGCCGTGGACACCACAGTGCTCC[G>A]GGTCTCCTTGCCTCCAAAGCCTCCTCCCATTCTCTTCACTCGAACCACAATCCGGTTTGC-3'
Protein context (NP_000370.2, residues 795-815): MGGGFGGKET[Arg805Trp]STVVSTAVAL

ClinVar aggregate classification (germline): Uncertain significance. Review status: criteria provided, multiple submitters, no conflicts (2 of 4 stars). 5 submissions from 5 submitters: Uncertain significance (5). Last evaluated 2024-04-29.

Conditions:
Inborn genetic diseases. Identifiers: MedGen C0950123, MeSH D030342.
Hereditary xanthinuria type 1 (XAN1). Identifiers: Orphanet 3467, Orphanet 93601, MedGen C0268118, MONDO:0010209, OMIM 278300.
Xanthinuria type II. Also called: Xanthine dehydrogenase and aldehyde oxidase combined deficiency of; XDH and AOX dual deficiency. Identifiers: Orphanet 3467, Orphanet 93602, MedGen C1863688, MONDO:0011346, OMIM 603592.

Allele frequency attached by ClinVar (database versions not stated): gnomAD 0.00007 and 0.00008; ESP Exome Variant Server 0.00008; gnomAD exomes 0.00009 and 0.00014; ExAC 0.00012; TOPMed 0.00012.
gnomAD v4.1: 210 of 1,614,044 alleles (0.013%); highest among the groups gnomAD compares: Non-Finnish European, 0.017%; no homozygotes.

Submissions (5):

Fulgent Genetics
Classification: Uncertain significance for Hereditary xanthinuria type 1. Last evaluated: 2024-04-29. Review status: criteria provided, single submitter. Criteria: ACMG Guidelines, 2015. Collection method: clinical testing. Allele origin: germline.

3billion
Classification: Uncertain significance for Hereditary xanthinuria type 1. Last evaluated: 2023-02-23. Review status: criteria provided, single submitter. Criteria: ACMG Guidelines, 2015. Collection method: clinical testing. Allele origin: unknown. Affected: yes.
Comment: The variant is observed at an extremely low frequency in the gnomAD v2.1.1 dataset (total allele frequency: 0.010%). Protein truncation variants are a common disease-causing mechanism. Therefore, this variant is classified as VUS according to the recommendation of ACMG/AMP guideline.

Ambry Genetics
Classification: Uncertain significance for Inborn genetic diseases. Last evaluated: 2021-11-29. Review status: criteria provided, single submitter. Criteria: Ambry Variant Classification Scheme 2023. Collection method: clinical testing. Allele origin: germline.

Labcorp Genetics (formerly Invitae), Labcorp
Classification: Uncertain significance for Xanthinuria type II. Last evaluated: 2020-11-18. Review status: criteria provided, single submitter. Criteria: Invitae Variant Classification Sherloc (09022015). Collection method: clinical testing. Allele origin: germline.
Comment: In summary, the available evidence is currently insufficient to determine the role of this variant in disease. Therefore, it has been classified as a Variant of Uncertain Significance. Algorithms developed to predict the effect of missense changes on protein structure and function are either unavailable or do not agree on the potential impact of this missense change (SIFT: "Deleterious"; PolyPhen-2: "Probably Damaging"; Align-GVGD: "Class C15"). This variant has not been reported in the literature in individuals with XDH-related conditions. ClinVar contains an entry for this variant (Variation ID: 895588). This variant is present in population databases (rs140007233, ExAC 0.02%). This sequence change replaces arginine with tryptophan at codon 805 of the XDH protein (p.Arg805Trp). The arginine residue is highly conserved and there is a moderate physicochemical difference between arginine and tryptophan.

Illumina Laboratory Services, Illumina
Classification: Uncertain significance for Hereditary xanthinuria type 1. Last evaluated: 2018-01-13. Review status: criteria provided, single submitter. Criteria: ICSL Variant Classification Criteria 13 December 2019. Collection method: clinical testing. Allele origin: germline.